The following is an entry in ClinVar:

NM_032237.5(POMK):c.556G>T (p.Val186Phe)

Gene: POMK (protein O-mannose kinase; plus strand). Cytogenetic location: 8p11.21.
Variant type: single nucleotide variant.
Coding change: c.556G>T on transcript NM_032237.5 (MANE Select); coding-DNA position 556, G replaced by T.
Protein change: p.Val186Phe; replaces valine 186 with phenylalanine.
Molecular consequence: missense variant.
Genome position (GRCh38, 1-based): chr8:43,122,380, G>T. VCF-style: chr8-43122380-G-T. GRCh37 (hg19) VCF-style: chr8-42977523-G-T.
Other names: c.556G>T (NM_032237.4); c.556G>T, p.Val186Phe (NM_001277971.2); short protein forms V186F.
Identifiers: ClinVar variation 1499885 (VCV001499885.5), dbSNP rs1241051300, ClinGen allele CA371122169.
Genomic context (GRCh38, chr8:43,122,380, plus strand): 5'-CTTTCAAAGTACCAAAATGTGAACACGTGGCAGCACAGGCTGGAGCTGGCCATGGACTAT[G>T]TCAGCATCATTAATTACCTGCACCACAGCCCTGTGGGCACACGGGTCATGTGCGACTCCA-3'
Protein context (NP_115613.1, residues 176-196): QHRLELAMDY[Val186Phe]SIINYLHHSP

ClinVar aggregate classification (germline): Uncertain significance. Review status: criteria provided, multiple submitters, no conflicts (2 of 4 stars). 2 submissions from 2 submitters: Uncertain significance (2). Last evaluated 2025-12-01.

Conditions:
Muscular dystrophy-dystroglycanopathy (congenital with brain and eye anomalies), type a, 12 (MDDGA12). Also called: WALKER-WARBURG SYNDROME OR MUSCLE-EYE-BRAIN DISEASE, POMK-RELATED. Identifiers: Orphanet 899, MedGen C3808964, MONDO:0014101, OMIM 615249.
Limb-girdle muscular dystrophy due to POMK deficiency. Also called: MUSCULAR DYSTROPHY-DYSTROGLYCANOPATHY, LIMB-GIRDLE, POMK-RELATED; Muscular dystrophy-dystroglycanopathy (limb-girdle), type c, 12. Identifiers: Orphanet 445110, MedGen C4015184, MONDO:0014489, OMIM 616094.

Allele frequency attached by ClinVar (database versions not stated): TOPMed 0.00001.
gnomAD v4.1: 2 of 1,614,074 alleles (0.00012%); highest among the groups gnomAD compares: Admixed American, 0.0033%; 1 homozygote.

Submissions (2):

GeneDx
Classification: Uncertain significance. Last evaluated: 2025-12-01. Review status: criteria provided, single submitter. Criteria: GeneDx Variant Classification Process June 2021. Collection method: clinical testing. Allele origin: germline. Affected: yes.
Comment: Not observed at significant frequency in large population cohorts (gnomAD); In silico analysis supports that this missense variant has a deleterious effect on protein structure/function; Has not been previously published as pathogenic or benign to our knowledge

Labcorp Genetics (formerly Invitae), Labcorp
Classification: Uncertain significance for Muscular dystrophy-dystroglycanopathy (congenital with brain and eye anomalies), type a, 12; Limb-girdle muscular dystrophy due to POMK deficiency. Last evaluated: 2022-07-26. Review status: criteria provided, single submitter. Criteria: Invitae Variant Classification Sherloc (09022015). Collection method: clinical testing. Allele origin: germline.
Comment: This sequence change replaces valine, which is neutral and non-polar, with phenylalanine, which is neutral and non-polar, at codon 186 of the POMK protein (p.Val186Phe). This variant is not present in population databases (gnomAD no frequency). This variant has not been reported in the literature in individuals affected with POMK-related conditions. ClinVar contains an entry for this variant (Variation ID: 1499885). Algorithms developed to predict the effect of missense changes on protein structure and function (SIFT, PolyPhen-2, Align-GVGD) all suggest that this variant is likely to be disruptive. In summary, the available evidence is currently insufficient to determine the role of this variant in disease. Therefore, it has been classified as a Variant of Uncertain Significance.